The following is an entry in ClinVar:

ClinVar aggregate classification (germline): Likely pathogenic (1 of 4 stars; one submission).

Conditions:
Pyruvate dehydrogenase phosphatase deficiency (PDHPD). Also called: LACTIC ACIDEMIA WITH PYRUVATE DEHYDROGENASE PHOSPHATASE DEFICIENCY. Identifiers: Orphanet 79246, MedGen C1837429, MONDO:0012120, OMIM 608782.

Submission:

Natera, Inc.
Classification: Likely pathogenic for Pyruvate dehydrogenase phosphatase deficiency. Last evaluated: 2025-09-19. Review status: criteria provided, single submitter. Criteria: Natera Variant Classification Schema (03/2026). Collection method: clinical testing. Allele origin: germline.
Comment: The c.562A>T variant in PDHB is a nonsense variant predicted to introduce a stop codon at amino acid 188. This variant is expected to result in nonsense mediated decay, truncation, or a dysfunctional protein product. This variant is rare in the general population with a frequency below the threshold expected for the associated phenotype(s). Given the available evidence, this variant is classified as Likely Pathogenic.

NM_000925.4(PDHB):c.562A>T (p.Lys188Ter)

Gene: PDHB (pyruvate dehydrogenase E1 subunit beta; minus strand). Cytogenetic location: 3p14.3.
Variant type: single nucleotide variant.
Coding change: c.562A>T on transcript NM_000925.4 (MANE Select); coding-DNA position 562, A replaced by T.
Protein change: p.Lys188Ter; replaces lysine 188 with a stop codon.
Molecular consequence: nonsense. On other transcripts: non-coding transcript variant (1).
Genome position (GRCh38, 1-based): chr3:58,430,684, T>A on the plus strand (A>T on the coding strand, the complement: PDHB is on the minus strand). VCF-style: chr3-58430684-T-A. GRCh37 (hg19) VCF-style: chr3-58416411-T-A.
Other names: c.508A>T, p.Lys170Ter (NM_001173468.2, NM_001315536.2); short protein forms K170*, K188*.
Identifiers: ClinVar variation 4814483 (VCV004814483.1).
Genomic context (GRCh38, chr3:58,430,684, plus strand): 5'-CTTCAAAAAAAACCAAAGGGTCCCTGTGCTGACCTGGATTGTTATCCCGAATGGCTGATT[T>A]AATAAGTCCTTTAGCATCCTCTGAATTCCAGGGACTGACCACCTTTAAGCCTGGGCAGTG-3'